The following is an entry in ClinVar:

ClinVar aggregate classification (germline): Benign/Likely benign. Review status: criteria provided, multiple submitters, no conflicts (2 of 4 stars). 3 submissions from 3 submitters: Benign (1); Likely benign (2). Last evaluated 2024-09-10.

Conditions:
Hereditary cancer-predisposing syndrome. Also called: Tumor predisposition; Hereditary Cancer Syndrome; Hereditary neoplastic syndrome; Neoplastic Syndromes, Hereditary. Identifiers: Orphanet 140162, MedGen C0027672, MeSH D009386, MONDO:0015356.
Hereditary diffuse gastric adenocarcinoma (HDGC). Also called: DIFFUSE GASTRIC AND LOBULAR BREAST CANCER SYNDROME. Identifiers: Orphanet 26106, MedGen C1708349, MONDO:0007648, OMIM 137215.

Submissions (3):

Myriad Genetics, Inc.
Classification: Benign for Hereditary diffuse gastric adenocarcinoma. Last evaluated: 2024-09-10. Review status: criteria provided, single submitter. Criteria: Myriad Autosomal Dominant, Autosomal Recessive and X-Linked Classification Criteria (2023). Collection method: clinical testing. Allele origin: unknown.
Comment: This variant is considered benign. This variant is a silent/synonymous amino acid change and it is not expected to impact splicing.

Labcorp Genetics (formerly Invitae), Labcorp
Classification: Likely benign for Hereditary diffuse gastric adenocarcinoma. Last evaluated: 2023-10-23. Review status: criteria provided, single submitter. Criteria: Invitae Variant Classification Sherloc (09022015). Collection method: clinical testing. Allele origin: germline.

Ambry Genetics
Classification: Likely benign for Hereditary cancer-predisposing syndrome. Last evaluated: 2014-08-27. Review status: criteria provided, single submitter. Criteria: Ambry Variant Classification Scheme 2023. Collection method: clinical testing. Allele origin: germline.

NM_004360.5(CDH1):c.6C>T (p.Gly2=)

Gene: CDH1 (cadherin 1; plus strand). Cytogenetic location: 16q22.1.
Variant type: single nucleotide variant.
Coding change: c.6C>T on transcript NM_004360.5 (MANE Select); coding-DNA position 6, C replaced by T.
Protein change: p.Gly2=; no amino-acid change (glycine 2 retained).
Molecular consequence: synonymous variant. On other transcripts: 5 prime UTR variant (2).
Genome position (GRCh38, 1-based): chr16:68,737,421, C>T. VCF-style: chr16-68737421-C-T. GRCh37 (hg19) VCF-style: chr16-68771324-C-T.
Other names: c.6C>T (LRG_301t1); c.6C>T, p.Gly2= (NM_001317184.2); c.-1610C>T (NM_001317185.2); c.-1814C>T (NM_001317186.2).
Identifiers: ClinVar variation 184107 (VCV000184107.9), dbSNP rs786201283, ClinGen allele CA187805.